The following is an entry in ClinVar:

ClinVar aggregate classification (germline): Uncertain significance. Review status: criteria provided, multiple submitters, no conflicts (2 of 4 stars). 3 submissions from 3 submitters: Uncertain significance (2). 1 of the submissions does not count toward it. Last evaluated 2025-01-07.

Conditions:
Emery-Dreifuss muscular dystrophy 4, autosomal dominant (EDMD4). Also called: EMERY-DREIFUSS MUSCULAR DYSTROPHY 4 WITH VARIABLE FEATURES. Identifiers: Orphanet 261, MedGen C2751807, MONDO:0013071, OMIM 612998.
Autosomal recessive ataxia, Beauce type. Also called: Spinocerebellar ataxia, autosomal recessive 8; ATAXIA, RECESSIVE, OF BEAUCE; SYNE1-Related Autosomal Recessive Cerebellar Ataxia; SYNE1 Deficiency. Identifiers: Orphanet 88644, MedGen C1853116, MONDO:0012549, OMIM 610743.

Allele frequency attached by ClinVar (database versions not stated): gnomAD 0.00002 and 0.00003; gnomAD exomes 0.00003 and 0.00004; TOPMed 0.00004; ExAC 0.00006; ESP Exome Variant Server 0.00008.
gnomAD v4.1: 49 of 1,614,154 alleles (0.003%); highest among the groups gnomAD compares: South Asian, 0.011%; no homozygotes.

Submissions (3):

Labcorp Genetics (formerly Invitae), Labcorp
Classification: Uncertain significance for Emery-Dreifuss muscular dystrophy 4, autosomal dominant; Autosomal recessive ataxia, Beauce type. Last evaluated: 2025-01-07. Review status: criteria provided, single submitter. Criteria: Invitae Variant Classification Sherloc (09022015). Collection method: clinical testing. Allele origin: germline.
Comment: This sequence change replaces threonine, which is neutral and polar, with methionine, which is neutral and non-polar, at codon 6136 of the SYNE1 protein (p.Thr6136Met). This variant is present in population databases (rs373188583, gnomAD 0.01%). This variant has not been reported in the literature in individuals affected with SYNE1-related conditions. ClinVar contains an entry for this variant (Variation ID: 663343). An algorithm developed to predict the effect of missense changes on protein structure and function (PolyPhen-2) suggests that this variant is likely to be tolerated. In summary, the available evidence is currently insufficient to determine the role of this variant in disease. Therefore, it has been classified as a Variant of Uncertain Significance.

GeneDx
Classification: Uncertain significance. Last evaluated: 2024-10-05. Review status: criteria provided, single submitter. Criteria: GeneDx Variant Classification Process June 2021. Collection method: clinical testing. Allele origin: germline. Affected: yes.
Comment: In silico analysis indicates that this missense variant does not alter protein structure/function; Has not been previously published as pathogenic or benign to our knowledge

Next Generation Genetic Polyclinic
Classification: Uncertain significance for Autosomal recessive ataxia, Beauce type. Review status: no assertion criteria provided. Collection method: clinical testing. Allele origin: inherited. Affected: yes. Not counted in ClinVar's aggregate classification.

NM_182961.4(SYNE1):c.18620C>T (p.Thr6207Met)

Gene: SYNE1 (spectrin repeat containing nuclear envelope protein 1; minus strand). Cytogenetic location: 6q25.2.
Variant type: single nucleotide variant.
Coding change: c.18620C>T on transcript NM_182961.4 (MANE Select); coding-DNA position 18620, C replaced by T.
Protein change: p.Thr6207Met; replaces threonine 6207 with methionine.
Molecular consequence: missense variant.
Genome position (GRCh38, 1-based): chr6:152,269,240, G>A on the plus strand (C>T on the coding strand, the complement: SYNE1 is on the minus strand). VCF-style: chr6-152269240-G-A. GRCh37 (hg19) VCF-style: chr6-152590375-G-A.
Other names: c.18407C>T, p.Thr6136Met (NM_033071.5); short protein forms T6207M, T6136M.
Identifiers: ClinVar variation 663343 (VCV000663343.10), dbSNP rs373188583, ClinGen allele CA4054907.